The following is an entry in ClinVar:

ClinVar aggregate classification (germline): Uncertain significance (1 of 4 stars; one submission).

Conditions:
Inborn genetic diseases. Identifiers: MedGen C0950123, MeSH D030342.

Submission:

Ambry Genetics
Classification: Uncertain significance for Inborn genetic diseases. Last evaluated: 2025-03-16. Review status: criteria provided, single submitter. Criteria: Ambry Variant Classification Scheme 2023. Collection method: clinical testing. Allele origin: germline.
Comment: The p.P343T variant (also known as c.1027C>A), located in coding exon 5 of the RECQL4 gene, results from a C to A substitution at nucleotide position 1027. The proline at codon 343 is replaced by threonine, an amino acid with highly similar properties. This amino acid position is conserved. In addition, this alteration is predicted to be tolerated by in silico analysis. Based on the available evidence, the clinical significance of this variant remains unclear.

NM_004260.4(RECQL4):c.1027C>A (p.Pro343Thr)

Gene: RECQL4 (RecQ like helicase 4; minus strand). Cytogenetic location: 8q24.3.
Variant type: single nucleotide variant.
Coding change: c.1027C>A on transcript NM_004260.4 (MANE Select); coding-DNA position 1027, C replaced by A.
Protein change: p.Pro343Thr; replaces proline 343 with threonine.
Molecular consequence: missense variant. On other transcripts: 5 prime UTR variant (16), non-coding transcript variant (3), intron variant (3).
Genome position (GRCh38, 1-based): chr8:144,516,092, G>T on the plus strand (C>A on the coding strand, the complement: RECQL4 is on the minus strand). VCF-style: chr8-144516092-G-T. GRCh37 (hg19) VCF-style: chr8-145741476-G-T.
Other names: c.1027C>A, p.Pro343Thr (NM_001413018.1, NM_001413019.1, NM_001413033.1 and 2 more transcripts); c.-45C>A (NM_001413021.1, NM_001413022.1, NM_001413023.1 and 7 more transcripts); c.898C>A, p.Pro300Thr (NM_001413025.1); c.-107C>A (NM_001413027.1, NM_001413030.1, NM_001413031.1 and 2 more transcripts); c.676C>A, p.Pro226Thr (NM_001413029.1); c.-314C>A (NM_001413043.1); c.954-23C>A (NM_001413017.1, NM_001413020.1); c.-22-23C>A (NM_001413034.1); short protein forms P300T, P226T, P343T.
Identifiers: ClinVar variation 3944236 (VCV003944236.1).
Genomic context (GRCh38, chr8:144,516,092, plus strand): 5'-AGTGTTTCTGCTTCATGTTGAGCCGTACGTAATTGCCCCTGTCATGGCGGGCCAGCCGAG[G>T]GAAGATGTGCAGGGGGGCTGTGCCCTCAGCCTTCCCAGCCCTAGCTTGACTGGAGGGGCT-3'
Protein context (NP_004251.4, residues 333-353): AEGTAPLHIF[Pro343Thr]RLARHDRGNY